The following is an entry in ClinVar:

NM_018975.4(TERF2IP):c.203G>A (p.Gly68Glu)

Gene: TERF2IP (TERF2 interacting protein; plus strand). Cytogenetic location: 16q23.1.
Variant type: single nucleotide variant.
Coding change: c.203G>A on transcript NM_018975.4 (MANE Select); coding-DNA position 203, G replaced by A.
Protein change: p.Gly68Glu; replaces glycine 68 with glutamic acid.
Molecular consequence: missense variant. On other transcripts: non-coding transcript variant (1).
Genome position (GRCh38, 1-based): chr16:75,648,085, G>A. VCF-style: chr16-75648085-G-A. GRCh37 (hg19) VCF-style: chr16-75681983-G-A.
Other names: short protein forms G68E.
Identifiers: ClinVar variation 2448541 (VCV002448541.2), dbSNP rs2507072981, ClinGen allele CA396817427.

ClinVar aggregate classification (germline): Uncertain significance (1 of 4 stars; one submission).

Submission:

Ambry Genetics
Classification: Uncertain significance. Last evaluated: 2023-01-22. Review status: criteria provided, single submitter. Criteria: Ambry Variant Classification Scheme 2023. Collection method: clinical testing. Allele origin: germline.
Comment: The p.G68E variant (also known as c.203G>A), located in coding exon 1 of the TERF2IP gene, results from a G to A substitution at nucleotide position 203. The glycine at codon 68 is replaced by glutamic acid, an amino acid with similar properties. This amino acid position is conserved. In addition, this alteration is predicted to be tolerated by in silico analysis. Since supporting evidence is limited at this time, the clinical significance of this alteration remains unclear.